The following is an entry in ClinVar:

NM_030665.4(RAI1):c.5642C>T (p.Pro1881Leu)

Gene: RAI1 (retinoic acid induced 1; plus strand). Cytogenetic location: 17p11.2.
Variant type: single nucleotide variant.
Coding change: c.5642C>T on transcript NM_030665.4 (MANE Select); coding-DNA position 5642, C replaced by T.
Protein change: p.Pro1881Leu; replaces proline 1881 with leucine.
Molecular consequence: missense variant.
Genome position (GRCh38, 1-based): chr17:17,803,832, C>T. VCF-style: chr17-17803832-C-T. GRCh37 (hg19) VCF-style: chr17-17707146-C-T.
Other names: c.5642C>T (NM_030665.3); short protein forms P1881L.
Identifiers: ClinVar variation 1573459 (VCV001573459.11), dbSNP rs755875722, ClinGen allele CA8419231.

ClinVar aggregate classification (germline): Likely benign. Review status: criteria provided, multiple submitters, no conflicts (2 of 4 stars). 3 submissions from 3 submitters: Likely benign (3). Last evaluated 2026-06-15.

Conditions:
RAI1-related disorder. Also called: RAI1-related condition.
Inborn genetic diseases. Identifiers: MedGen C0950123, MeSH D030342.

Allele frequency attached by ClinVar (database versions not stated): gnomAD 0.00002 and 0.00003; gnomAD exomes 0.00003 and 0.00005; ExAC 0.00004; TOPMed 0.00004.
gnomAD v4.1: 79 of 1,613,316 alleles (0.0049%); highest among the groups gnomAD compares: Admixed American, 0.012%; no homozygotes.

Submissions (3):

PreventionGenetics, part of Exact Sciences
Classification: Likely benign for RAI1-related condition. Last evaluated: 2026-06-15. Review status: criteria provided, single submitter. Criteria: ACMG Guidelines, 2015. Collection method: clinical testing. Allele origin: germline.
Comment: This variant is classified as likely benign based on ACMG/AMP sequence variant interpretation guidelines (Richards et al. 2015 PMID: 25741868, with internal and published modifications).

Labcorp Genetics (formerly Invitae), Labcorp
Classification: Likely benign. Last evaluated: 2024-10-24. Review status: criteria provided, single submitter. Criteria: Invitae Variant Classification Sherloc (09022015). Collection method: clinical testing. Allele origin: germline.

Ambry Genetics
Classification: Likely benign for Inborn genetic diseases. Last evaluated: 2024-04-08. Review status: criteria provided, single submitter. Criteria: Ambry Variant Classification Scheme 2023. Collection method: clinical testing. Allele origin: germline.